The following is an entry in ClinVar:

NM_153717.3(EVC):c.940-150T>G

Gene: EVC (EvC ciliary complex subunit 1; plus strand). Cytogenetic location: 4p16.2.
Variant type: single nucleotide variant.
Coding change: c.940-150T>G on transcript NM_153717.3 (MANE Select); 150 bases into the intron before coding-DNA position 940, T replaced by G.
Molecular consequence: intron variant.
Genome position (GRCh38, 1-based): chr4:5,747,998, T>G. VCF-style: chr4-5747998-T-G. GRCh37 (hg19) VCF-style: chr4-5749725-T-G.
Other names: c.940-150T>G (NM_001306090.2, NM_001306092.2, NM_153717.2).
Identifiers: ClinVar variation 1521416 (VCV001521416.10), dbSNP rs576076928, ClinGen allele CA1435489302.

ClinVar aggregate classification (germline): Likely pathogenic. Review status: criteria provided, multiple submitters, no conflicts (2 of 4 stars). 3 submissions from 3 submitters: Likely pathogenic (3). Last evaluated 2025-12-23.

Conditions:
Ellis-van Creveld syndrome (EVC). Also called: Chondroectodermal dysplasia; MESOECTODERMAL DYSPLASIA. Identifiers: Orphanet 289, MedGen C0013903, MONDO:0009162, OMIM 225500.
Curry-Hall syndrome (WAD). Also called: WEYERS ACRODENTAL DYSOSTOSIS. Identifiers: Orphanet 952, MedGen C0457013, MONDO:0008673, OMIM 193530.
EVC-related disorder. Also called: EVC-related condition; EVC-related disorders.

gnomAD v4.1: 4 of 890,674 alleles (0.00045%); highest among the groups gnomAD compares: Admixed American, 0.006%; no homozygotes.

Submissions (3):

Natera, Inc.
Classification: Likely pathogenic for Ellis-van Creveld syndrome. Last evaluated: 2025-12-23. Review status: criteria provided, single submitter. Criteria: Natera Variant Classification Schema (03/2026). Collection method: clinical testing. Allele origin: germline.
Comment: The c.940-150T>G variant in EVC is an intronic variant located outside the canonical splice sites. This variant is rare in the general population with a frequency below the threshold expected for the associated phenotype(s). This variant has been observed in one or more individuals affected with the associated recessive disease, as either homozygous or compound heterozygous with a second variant (PMID: 19810119). Functional studies show that this variant may disrupt protein function (PMID: 19810119). Given the available evidence, this variant is classified as Likely Pathogenic.

PreventionGenetics, part of Exact Sciences
Classification: Likely pathogenic for EVC-related condition. Last evaluated: 2025-11-26. Review status: criteria provided, single submitter. Criteria: ACMG Guidelines, 2015. Collection method: clinical testing. Allele origin: germline.
Comment: The EVC c.940-150T>G variant is predicted to interfere with splicing. This variant was reported in the compound heterozygous state in an individual with Ellis-van Creveld syndrome, with functional assays showing it created a cryptic splice donor site in intron 7 that led to aberrant splicing (Valencia et al. 2009. PubMed ID: 19810119). This variant has not been reported in a large population database, indicating this variant is rare. This variant is interpreted as likely pathogenic.

Labcorp Genetics (formerly Invitae), Labcorp
Classification: Likely pathogenic for Curry-Hall syndrome; Ellis-van Creveld syndrome. Last evaluated: 2024-08-05. Review status: criteria provided, single submitter. Criteria: Invitae Variant Classification Sherloc (09022015). Collection method: clinical testing. Allele origin: germline.
Comment: This sequence change falls in intron 7 of the EVC gene. It does not directly change the encoded amino acid sequence of the EVC protein. RNA analysis indicates that this variant induces altered splicing and may result in an absent or altered protein product. This variant is not present in population databases (gnomAD no frequency). This variant has been observed in individual(s) with Ellis-van Creveld syndrome (PMID: 19810119). In at least one individual the data is consistent with being in trans (on the opposite chromosome) from a pathogenic variant. ClinVar contains an entry for this variant (Variation ID: 1521416). Studies have shown that this variant results in inclusion of a pseudoexon, and produces a non-functional protein and/or introduces a premature termination codon (PMID: 19810119). In summary, the currently available evidence indicates that the variant is pathogenic, but additional data are needed to prove that conclusively. Therefore, this variant has been classified as Likely Pathogenic.

Literature cited by the submitters: PubMed 19810119 (cited by Natera, Inc. and Labcorp Genetics (formerly Invitae), Labcorp).